The following is an entry in ClinVar:

NM_003361.4(UMOD):c.674C>T (p.Thr225Met)

Gene: UMOD (uromodulin; minus strand). Cytogenetic location: 16p12.3.
Variant type: single nucleotide variant.
Coding change: c.674C>T on transcript NM_003361.4 (MANE Select); coding-DNA position 674, C replaced by T.
Protein change: p.Thr225Met; replaces threonine 225 with methionine.
Molecular consequence: missense variant. On other transcripts: non-coding transcript variant (1).
Genome position (GRCh38, 1-based): chr16:20,348,627, G>A on the plus strand (C>T on the coding strand, the complement: UMOD is on the minus strand). VCF-style: chr16-20348627-G-A. GRCh37 (hg19) VCF-style: chr16-20359949-G-A.
Other names: c.674C>T, p.Thr225Met (NM_001008389.3, NM_001378232.1, NM_001378233.1 and 3 more transcripts); c.773C>T, p.Thr258Met (NM_001278614.2); short protein forms T225M, T258M.
Identifiers: ClinVar variation 2736325 (VCV002736325.3), dbSNP rs2507387073, ClinGen allele CA394985135.

ClinVar aggregate classification (germline): Pathogenic (1 of 4 stars; one submission).

Submission:

Labcorp Genetics (formerly Invitae), Labcorp
Classification: Pathogenic. Last evaluated: 2024-09-27. Review status: criteria provided, single submitter. Criteria: Invitae Variant Classification Sherloc (09022015). Collection method: clinical testing. Allele origin: germline.
Comment: This sequence change replaces threonine, which is neutral and polar, with methionine, which is neutral and non-polar, at codon 225 of the UMOD protein (p.Thr225Met). This variant is not present in population databases (gnomAD no frequency). This missense change has been observed in individuals with clinical features of UMOD-related conditions (PMID: 14569098, 21868615). It has also been observed to segregate with disease in related individuals. Invitae Evidence Modeling of protein sequence and biophysical properties (such as structural, functional, and spatial information, amino acid conservation, physicochemical variation, residue mobility, and thermodynamic stability) has been performed for this missense variant. However, the output from this modeling did not meet the statistical confidence thresholds required to predict the impact of this variant on UMOD protein function. For these reasons, this variant has been classified as Pathogenic.

Literature cited by the submitters: PubMed 14569098; PubMed 21868615.